The following is an entry in ClinVar:

NM_000455.5(STK11):c.464+10C>T

Gene: STK11 (serine/threonine kinase 11; plus strand). Cytogenetic location: 19p13.3.
Variant type: single nucleotide variant.
Coding change: c.464+10C>T on transcript NM_000455.5 (MANE Select); 10 bases into the intron after coding-DNA position 464, C replaced by T.
Molecular consequence: intron variant.
Genome position (GRCh38, 1-based): chr19:1,219,423, C>T. VCF-style: chr19-1219423-C-T. GRCh37 (hg19) VCF-style: chr19-1219422-C-T.
Identifiers: ClinVar variation 142410 (VCV000142410.35), dbSNP rs587782445, ClinGen allele CA022975.

ClinVar aggregate classification (germline): Benign/Likely benign. Review status: criteria provided, multiple submitters, no conflicts (2 of 4 stars). 16 submissions from 16 submitters: Benign (6); Likely benign (7). 3 of the submissions do not count toward it. Last evaluated 2026-01-12.

Conditions:
Peutz-Jeghers syndrome (PJS). Also called: Peutz-Jeghers polyposis; Periorificial lentiginosis syndrome; POLYPOSIS, HAMARTOMATOUS INTESTINAL; POLYPS-AND-SPOTS SYNDROME. Identifiers: Orphanet 2869, MedGen C0031269, MeSH D010580, MONDO:0008280, OMIM 175200.
Carcinoma of pancreas. Also called: Pancreatic cancer, somatic; Pancreatic carcinoma, somatic; PANCREATIC ACINAR CARCINOMA; PANCREATIC CARCINOMA; Exocrine pancreatic carcinoma. Identifiers: Orphanet 1333, Orphanet 217074, MedGen C0235974, MONDO:0005192. Disease mechanism: loss of function.
Germ cell tumor of testis (TGCT). Also called: Testicular germ cell tumor; GERM CELL TUMOR, SOMATIC. Identifiers: Orphanet 363504, MedGen C1336708, MONDO:0010108, OMIM 273300.
Melanoma, cutaneous malignant, susceptibility to, 1 (CMM1). Also called: DYSPLASTIC NEVUS SYNDROME, HEREDITARY; FAMILIAL ATYPICAL MOLE-MALIGNANT MELANOMA SYNDROME; MELANOMA, MALIGNANT; B-K MOLE SYNDROME. Identifiers: Orphanet 618, MedGen C1835047, MONDO:0007963, OMIM 155600.
STK11-related disorder. Also called: STK11-related condition.
Breast and/or ovarian cancer. Identifiers: MedGen CN221562.
Hereditary cancer-predisposing syndrome. Also called: Neoplastic Syndromes, Hereditary; Hereditary Cancer Syndrome; Tumor predisposition; Hereditary neoplastic syndrome. Identifiers: Orphanet 140162, MedGen C0027672, MeSH D009386, MONDO:0015356.

Allele frequency attached by ClinVar (database versions not stated): gnomAD 0.00003 and 0.00004; TOPMed 0.00003; gnomAD exomes 0.00011 and 0.00014; ExAC 0.00025.

Submissions (16):

Labcorp Genetics (formerly Invitae), Labcorp
Classification: Benign for Peutz-Jeghers syndrome. Last evaluated: 2026-01-12. Review status: criteria provided, single submitter. Criteria: Invitae Variant Classification Sherloc (09022015). Collection method: clinical testing. Allele origin: germline.

Blueprint Genetics
Classification: Likely benign. Last evaluated: 2024-10-22. Review status: criteria provided, single submitter. Criteria: ACMG Guidelines, 2015. Collection method: clinical testing. Allele origin: germline.

KCCC/NGS Laboratory, Kuwait Cancer Control Center
Classification: Benign for Peutz-Jeghers syndrome. Last evaluated: 2023-07-07. Review status: criteria provided, single submitter. Criteria: ACMG Guidelines, 2015. Collection method: clinical testing. Allele origin: germline. Affected: yes.

CHEO Genetics Diagnostic Laboratory, Children's Hospital of Eastern Ontario
Classification: Likely benign for Breast and/or ovarian cancer. Last evaluated: 2023-04-27. Review status: criteria provided, single submitter. Criteria: ACMG Guidelines, 2015. Collection method: clinical testing. Allele origin: germline.

Myriad Genetics, Inc.
Classification: Likely benign for Peutz-Jeghers syndrome. Last evaluated: 2023-04-14. Review status: criteria provided, single submitter. Criteria: Myriad Autosomal Dominant, Autosomal Recessive and X-Linked Classification Criteria (2023). Collection method: clinical testing. Allele origin: unknown.
Comment: This variant is considered likely benign. This variant is intronic and is not expected to impact mRNA splicing.

Fulgent Genetics
Classification: Likely benign for Melanoma, cutaneous malignant, susceptibility to, 1; Peutz-Jeghers syndrome; Familial pancreatic carcinoma; Germ cell tumor of testis. Last evaluated: 2021-11-04. Review status: criteria provided, single submitter. Criteria: ACMG Guidelines, 2015. Collection method: clinical testing. Allele origin: unknown.

Genome-Nilou Lab
Classification: Likely benign for Peutz-Jeghers syndrome. Last evaluated: 2021-07-15. Review status: criteria provided, single submitter. Criteria: ACMG Guidelines, 2015. Collection method: clinical testing. Allele origin: germline. Affected: no.

Illumina Laboratory Services, Illumina
Classification: Benign for Peutz-Jeghers syndrome. Last evaluated: 2019-03-05. Review status: criteria provided, single submitter. Criteria: ICSL Variant Classification Criteria 13 December 2019. Collection method: clinical testing. Allele origin: germline.
Comment: This variant was observed as part of a predisposition screen in an ostensibly healthy population. A literature search was performed for the gene, cDNA change, and amino acid change (where applicable). No publications were found based on this search. Allele frequency data from public databases was too high to be consistent with this variant causing disease. Therefore, this variant is classified as benign.

Quest Diagnostics Nichols Institute San Juan Capistrano
Classification: Benign. Last evaluated: 2018-06-22. Review status: criteria provided, single submitter. Criteria: Quest Diagnostics criteria. Collection method: clinical testing. Allele origin: unknown.

Women's Health and Genetics/Laboratory Corporation of America, LabCorp
Classification: Benign. Last evaluated: 2017-06-09. Review status: criteria provided, single submitter. Criteria: LabCorp Variant Classification Summary - May 2015. Collection method: clinical testing. Allele origin: germline.
Comment: Variant summary: The STK11 c.464+10C>T variant involves the alteration of a non-conserved intronic nucleotide and 4/5 splice prediction tools predict no significant impact on normal splicing. However, these predictions have yet to be confirmed by functional studies. This variant was found in 9/36576 control chromosomes (1 homozygote), predominantly in the South Asian cohort at a frequency of 0.00069 (6/8690, 1 homozygote). This frequency is about 110 times the estimated maximal expected allele frequency of a pathogenic STK11 variant (0.0000063), suggesting this is likely a benign polymorphism found primarily population(s) of South Asian origin. In addition, multiple clinical diagnostic laboratories classified this variant as likely benign/benign. The variant of interest has not, to our knowledge, been reported in affected individuals via publications. Taken together, this variant is classified as benign.

Color Diagnostics, LLC DBA Color Health
Classification: Likely benign for Hereditary cancer-predisposing syndrome. Last evaluated: 2016-11-22. Review status: criteria provided, single submitter. Criteria: ACMG Guidelines, 2015. Collection method: clinical testing. Allele origin: germline.

GeneDx
Classification: Benign. Last evaluated: 2015-03-03. Review status: criteria provided, single submitter. Criteria: GeneDx Variant Classification Process June 2021. Collection method: clinical testing. Allele origin: germline. Affected: yes.

Ambry Genetics
Classification: Likely benign for Hereditary cancer-predisposing syndrome. Last evaluated: 2014-01-23. Review status: criteria provided, single submitter. Criteria: Ambry Autosomal Dominant and X-Linked criteria (10/2015). Collection method: clinical testing. Allele origin: germline. Observed: 1 variant allele.

PreventionGenetics, part of Exact Sciences
Classification: Likely benign for STK11-related condition. Last evaluated: 2020-03-16. Review status: no assertion criteria provided. Collection method: clinical testing. Allele origin: germline. Not counted in ClinVar's aggregate classification.
Comment: This variant is classified as likely benign based on ACMG/AMP sequence variant interpretation guidelines (Richards et al. 2015 PMID: 25741868, with internal and published modifications).

Counsyl
Classification: Likely benign for Peutz-Jeghers syndrome. Last evaluated: 2016-11-08. Review status: no assertion criteria provided. Collection method: clinical testing. Allele origin: unknown. Not counted in ClinVar's aggregate classification.

Department of Pathology and Laboratory Medicine, Sinai Health System
Classification: Benign. Review status: no assertion criteria provided. Collection method: clinical testing. Allele origin: unknown. Affected: yes. Study: The Canadian Open Genetics Repository (COGR). Not counted in ClinVar's aggregate classification.
Comment: The STK11 c.464+10C>T variant was not identified in the literature nor was it identified in the Cosmic, MutDB, LOVD 3.0, Zhejiang University Database, or the Insight Hereditary Tumors Database. The variant was identified in dbSNP (ID: rs587782445) as "With other allele", and in ClinVar (6x as Benign by Invitae and Laboratory Corporation of America and Likely benign by Ambry Genetics, Counsyl, Quest and Colour Genomics). The variant was identified in control databases in 22 of 201784 chromosomes (1 homozygous) at a frequency of 0.0001 (Genome Aggregation Database Feb 27, 2017). It was observed in the following populations: South Asian in 11 of 24022 chromosomes (freq: 0.000458), African in 2 of 17856 chromosomes (freq: 0.0001), Other in 1 of 5152 chromosomes (freq: 0.0002), Latino in 3 of 27010 chromosomes (freq: 0.000111), European Non-Finnish in 1 of 86922 chromosomes (freq: 0.000012), Ashkenazi Jewish in 1 of 8794 chromosomes (freq: 0.000114), and East Asian in 3 of 13308 chromosomes (freq: 0.000225); it was not observed in the Finnish populations. Of note the conservative allelic frequency of variants pathogenic for Peutz-Jegher Syndrome is an order of magnitude lower than the prevalence of the variant in the South Asian population (0.00002 vs 0.0004). The variant occurs outside of the splicing consensus sequence and 3 of 5 in silico or computational prediction software programs (SpliceSiteFinder, MaxEntScan, NNSPLICE, GeneSplicer, HumanSpliceFinder) predict a greater than 10% difference in splicing. However, this information is not predictive enough to assume pathogenicity. The variant was identified with a co-occurring pathogenic variant in the BRCA1 (c.895_896del) gene in the context of a HBOC referral, increasing the likelihood this variant may not have clinical significance. In summary, based on the above information this variant meets our laboratory's criteria to be classified as likely benign.